The following is an entry in ClinVar:

ClinVar aggregate classification (germline): Uncertain significance (1 of 4 stars; one submission).

Submission:

Women's Health and Genetics/Laboratory Corporation of America, LabCorp
Classification: Uncertain significance. Last evaluated: 2025-10-30. Review status: criteria provided, single submitter. Criteria: LabCorp Variant Classification Summary - May 2015. Collection method: clinical testing. Allele origin: germline.
Comment: Variant summary: POMT1 c.539G>A (p.Ser180Asn) results in a conservative amino acid change in the encoded protein sequence. Algorithms developed to predict the effect of missense changes on protein structure and function are either unavailable or do not agree on the potential impact of this missense change. Several computational tools predict a significant impact on normal splicing: One predicts the variant abolishes a 5' splicing donor siteand two predict the variant weakens a 5' donor site. However, these predictions have yet to be confirmed by functional studies. The variant was absent in 251290 control chromosomes. The available data on variant occurrences in the general population are insufficient to allow any conclusion about variant significance. To our knowledge, no occurrence of c.539G>A in individuals affected with POMT1-related conditions and no experimental evidence demonstrating its impact on protein function have been reported. No submitters have cited clinical-significance assessments for this variant to ClinVar. Based on the evidence outlined above, the variant was classified as uncertain significance.

NM_001077365.2(POMT1):c.539G>A (p.Ser180Asn)

Gene: POMT1 (protein O-mannosyltransferase 1; plus strand). Cytogenetic location: 9q34.13.
Variant type: single nucleotide variant.
Coding change: c.539G>A on transcript NM_001077365.2 (MANE Select); coding-DNA position 539, G replaced by A.
Protein change: p.Ser180Asn; replaces serine 180 with asparagine.
Molecular consequence: missense variant. On other transcripts: 5 prime UTR variant (1), non-coding transcript variant (8).
Genome position (GRCh38, 1-based): chr9:131,509,022, G>A. VCF-style: chr9-131509022-G-A. GRCh37 (hg19) VCF-style: chr9-134384409-G-A.
Other names: c.377G>A, p.Ser126Asn (NM_001077366.2, NM_001353194.2, NM_001353197.2 and 3 more transcripts); c.539G>A, p.Ser180Asn (NM_001136113.2, NM_001353193.2, NM_001374690.1 and 1 more transcripts); c.188G>A, p.Ser63Asn (NM_001136114.2, NM_001353195.2, NM_001353199.2 and 2 more transcripts); c.449G>A, p.Ser150Asn (NM_001353196.2); c.83G>A, p.Ser28Asn (NM_001353200.2, NM_001374695.1); c.-598G>A (NM_001411024.1); short protein forms S126N, S150N, S180N, S28N, S63N.
Identifiers: ClinVar variation 4687304 (VCV004687304.1).
Genomic context (GRCh38, chr9:131,509,022, plus strand): 5'-TATTTTTCAATCTATTGGCCGTGTTGTCCTACCTGAAGTTCTTCAACTGCCAAAAGCACA[G>A]GTATGGAAAATGGAGTGTCTTCCTAGTTAACGAGAACAGAGATTCTGGGTGGTTTGTTGA-3'
Protein context (NP_001070833.1, residues 170-190): YLKFFNCQKH[Ser180Asn]PFSLSWWFWL